The following is an entry in ClinVar:

NM_133497.4(KCNV2):c.199T>G (p.Trp67Gly)

Gene: KCNV2 (potassium voltage-gated channel modifier subfamily V member 2; plus strand). Cytogenetic location: 9p24.2.
Variant type: single nucleotide variant.
Coding change: c.199T>G on transcript NM_133497.4 (MANE Select); coding-DNA position 199, T replaced by G.
Protein change: p.Trp67Gly; replaces tryptophan 67 with glycine.
Molecular consequence: missense variant.
Genome position (GRCh38, 1-based): chr9:2,717,938, T>G. VCF-style: chr9-2717938-T-G. GRCh37 (hg19) VCF-style: chr9-2717938-T-G.
Other names: short protein forms W67G.
Identifiers: ClinVar variation 1043122 (VCV001043122.6), dbSNP rs543226684, ClinGen allele CA4965364.

ClinVar aggregate classification (germline): Uncertain significance (1 of 4 stars; one submission).

gnomAD v4.1: 4 of 1,613,780 alleles (0.00025%); highest among the groups gnomAD compares: Middle Eastern, 0.016%; no homozygotes.

Submission:

Labcorp Genetics (formerly Invitae), Labcorp
Classification: Uncertain significance. Last evaluated: 2022-01-12. Review status: criteria provided, single submitter. Criteria: Invitae Variant Classification Sherloc (09022015). Collection method: clinical testing. Allele origin: germline.
Comment: This sequence change replaces tryptophan, which is neutral and slightly polar, with glycine, which is neutral and non-polar, at codon 67 of the KCNV2 protein (p.Trp67Gly). This variant is present in population databases (rs543226684, gnomAD 0.009%). This variant has not been reported in the literature in individuals affected with KCNV2-related conditions. ClinVar contains an entry for this variant (Variation ID: 1043122). Advanced modeling of protein sequence and biophysical properties (such as structural, functional, and spatial information, amino acid conservation, physicochemical variation, residue mobility, and thermodynamic stability) performed at Invitae indicates that this missense variant is not expected to disrupt KCNV2 protein function. In summary, the available evidence is currently insufficient to determine the role of this variant in disease. Therefore, it has been classified as a Variant of Uncertain Significance.